The following is an entry in ClinVar:

NM_001174089.2(SLC4A11):c.425_433delinsC (p.Arg142fs)

Gene: SLC4A11 (solute carrier family 4 member 11; minus strand). Cytogenetic location: 20p13.
Variant type: Indel.
Coding change: c.425_433delinsC on transcript NM_001174089.2 (MANE Select); coding-DNA positions 425 to 433, GCTTCGCCA replaced by C.
Protein change: p.Arg142fs; shifts the reading frame from arginine 142.
Molecular consequence: frameshift variant. On other transcripts: non-coding transcript variant (1).
Genome position (GRCh38, 1-based): chr20:3,234,173-3,234,181, TGGCGAAGC replaced by G on the plus strand (GCTTCGCCA replaced by C on the coding strand, the reverse complement: SLC4A11 is on the minus strand). VCF-style: chr20-3234173-TGGCGAAGC-G. GRCh37 (hg19) VCF-style: chr20-3214819-TGGCGAAGC-G.
Other names: c.554_562delinsC, p.Arg185fs (NM_001174090.2); c.425_433delinsC, p.Arg142fs (NM_001363745.2); c.473_481delinsC, p.Arg158fs (NM_032034.4); c.473_481delGCTTCGCCAinsC (NM_032034.3); short protein forms R142fs, R185fs, R158fs.
Identifiers: ClinVar variation 208613 (VCV000208613.7), dbSNP rs797045107, ClinGen allele CA251305.

ClinVar aggregate classification (germline): Pathogenic. Review status: criteria provided, multiple submitters, no conflicts (2 of 4 stars). 4 submissions from 4 submitters: Pathogenic (4). Last evaluated 2025-07-07.

Conditions:
Corneal dystrophy, Fuchs endothelial, 4 (FECD4). Identifiers: Orphanet 98974, MedGen C2750450, MONDO:0013204, OMIM 613268.
Corneal dystrophy-perceptive deafness syndrome (CDPD). Also called: HARBOYAN SYNDROME; CORNEAL DYSTROPHY AND SENSORINEURAL DEAFNESS. Identifiers: Orphanet 1490, MedGen C1857572, MONDO:0009015, OMIM 217400.
Congenital hereditary endothelial dystrophy of cornea. Also called: Congenital hereditary endothelial dystrophy of the cornea; Maumenee corneal dystrophy; CORNEAL DYSTROPHY, CONGENITAL HEREDITARY ENDOTHELIAL; Corneal endothelial dystrophy, autosomal recessive; Congenital hereditary endothelial dystrophy type II. Identifiers: Orphanet 293603, MedGen C1857569, MONDO:0009019, OMIM 217700.

Submissions (4):

Natera, Inc.
Classification: Pathogenic for Corneal dystrophy-perceptive deafness syndrome. Last evaluated: 2025-07-07. Review status: criteria provided, single submitter. Criteria: Natera Variant Classification Schema (03/2026). Collection method: clinical testing. Allele origin: germline.
Comment: The c.473_481delGCTTCGCCAinsC variant in SLC4A11 is a frameshift variant predicted to shift the reading frame beginning at codon 158 and leads to a stop codon 4 codons downstream. This variant is expected to result in nonsense mediated decay, truncation, or a dysfunctional protein product. This variant is rare in the general population with a frequency below the threshold expected for the associated phenotype(s). This variant has been observed in one or more individuals affected with the associated recessive disease, as either homozygous or compound heterozygous with a second variant (PMID: 18474783). Given the available evidence, this variant is classified as Pathogenic.

Fulgent Genetics
Classification: Pathogenic for Corneal dystrophy-perceptive deafness syndrome; Congenital hereditary endothelial dystrophy of cornea; Corneal dystrophy, Fuchs endothelial, 4. Last evaluated: 2024-06-11. Review status: criteria provided, single submitter. Criteria: ACMG Guidelines, 2015. Collection method: clinical testing. Allele origin: germline.

GeneDx
Classification: Pathogenic. Last evaluated: 2022-05-20. Review status: criteria provided, single submitter. Criteria: GeneDx Variant Classification Process June 2021. Collection method: clinical testing. Allele origin: germline. Affected: yes.
Comment: Frameshift variant predicted to result in protein truncation or nonsense mediated decay in a gene for which loss of function is a known mechanism of disease; Not observed at significant frequency in large population cohorts (gnomAD); This variant is associated with the following publications: (PMID: 18474783)

Laboratory for Molecular Medicine, Mass General Brigham Personalized Medicine
Classification: Pathogenic for Corneal endothelial dystrophy type 2. Last evaluated: 2014-08-29. Review status: criteria provided, single submitter. Criteria: LMM Criteria. Collection method: clinical testing. Allele origin: germline. Inheritance: Autosomal recessive inheritance. Observed: 1 variant allele. Study: CSER-MedSeq.
Comment: The Arg185ProfsX4 variant in SLC4A11 has been reported as homozygous in 1 individual with corneal endothelial dystrophy 2 (Hemadevi 2008, described as Arg158ProfsX3). Data from large population studies is insufficient to assess the frequency of this variant. This frameshift variant is predicted to alter the protein’s amino acid sequence beginning at position 185 and lead to a premature termination codon 4 amino acids downstream. This alteration is then predicted to lead to a truncated or absent protein. To date, several loss-of-function variants in SLC4A11 have been associated with corneal endothelial dystrophy 2. In summary, this variant meets our criteria to be classified as pathogenic for autosomal recessive corneal endothelial dystrophy.

Literature cited by the submitters: PubMed 18474783 (cited by Natera, Inc. and Laboratory for Molecular Medicine, Mass General Brigham Personalized Medicine).